The following is an entry in ClinVar:

NM_001170629.2(CHD8):c.321A>G (p.Gln107=)

Gene: CHD8 (chromodomain helicase DNA binding protein 8; minus strand). Cytogenetic location: 14q11.2.
Variant type: single nucleotide variant.
Coding change: c.321A>G on transcript NM_001170629.2 (MANE Select); coding-DNA position 321, A replaced by G.
Protein change: p.Gln107=; no amino-acid change (glutamine 107 retained).
Molecular consequence: synonymous variant. On other transcripts: intron variant (1).
Genome position (GRCh38, 1-based): chr14:21,431,323, T>C on the plus strand (A>G on the coding strand, the complement: CHD8 is on the minus strand). VCF-style: chr14-21431323-T-C. GRCh37 (hg19) VCF-style: chr14-21899482-T-C.
Other names: c.6+488A>G (NM_020920.4).
Identifiers: ClinVar variation 1729037 (VCV001729037.9), dbSNP rs770738792, ClinGen allele CA7091972.

ClinVar aggregate classification (germline): Likely benign. Review status: criteria provided, multiple submitters, no conflicts (2 of 4 stars). 3 submissions from 3 submitters: Likely benign (3). Last evaluated 2026-06-01.

Conditions:
Inborn genetic diseases. Identifiers: MedGen C0950123, MeSH D030342.

Allele frequency attached by ClinVar (database versions not stated): gnomAD 0.00001; gnomAD exomes 0.00002; TOPMed 0.00002.
gnomAD v4.1: 11 of 1,544,904 alleles (0.00071%); highest among the groups gnomAD compares: Admixed American, 0.021%; no homozygotes.

Submissions (3):

CeGaT Center for Human Genetics Tuebingen
Classification: Likely benign. Last evaluated: 2026-06-01. Review status: criteria provided, single submitter. Criteria: CeGaT Center For Human Genetics Tuebingen Variant Classification Criteria Version 2. Collection method: clinical testing. Allele origin: germline. Affected: yes. Observed: 1 variant allele.
Comment: CHD8: BP4, BP7

Labcorp Genetics (formerly Invitae), Labcorp
Classification: Likely benign. Last evaluated: 2024-12-02. Review status: criteria provided, single submitter. Criteria: Invitae Variant Classification Sherloc (09022015). Collection method: clinical testing. Allele origin: germline.

Ambry Genetics
Classification: Likely benign for Inborn genetic diseases. Last evaluated: 2019-04-14. Review status: criteria provided, single submitter. Criteria: Ambry Variant Classification Scheme 2023. Collection method: clinical testing. Allele origin: germline.